The following is an entry in ClinVar:

ClinVar aggregate classification (germline): Uncertain significance (1 of 4 stars; one submission).

Conditions:
Inborn genetic diseases. Identifiers: MedGen C0950123, MeSH D030342.

Submission:

Ambry Genetics
Classification: Uncertain significance for Inborn genetic diseases. Last evaluated: 2026-04-19. Review status: criteria provided, single submitter. Criteria: Ambry Variant Classification Scheme 2023. Collection method: clinical testing. Allele origin: germline.
Comment: The p.P77S variant (also known as c.229C>T), located in coding exon 1 of the KDM1A gene, results from a C to T substitution at nucleotide position 229. The proline at codon 77 is replaced by serine, an amino acid with similar properties. This amino acid position is conserved. In addition, this alteration is predicted to be tolerated by in silico analysis. Based on the available evidence, the clinical significance of this variant remains unclear.

NM_001009999.3(KDM1A):c.229C>T (p.Pro77Ser)

Gene: KDM1A (lysine demethylase 1A; plus strand). Cytogenetic location: 1p36.12.
Variant type: single nucleotide variant.
Coding change: c.229C>T on transcript NM_001009999.3 (MANE Select); coding-DNA position 229, C replaced by T.
Protein change: p.Pro77Ser; replaces proline 77 with serine.
Molecular consequence: missense variant.
Genome position (GRCh38, 1-based): chr1:23,019,825, C>T. VCF-style: chr1-23019825-C-T. GRCh37 (hg19) VCF-style: chr1-23346318-C-T.
Other names: c.229C>T, p.Pro77Ser (NM_001363654.2, NM_001410762.1, NM_001410763.1 and 1 more transcripts); short protein forms P77S.
Identifiers: ClinVar variation 4858717 (VCV004858717.1).